The following is an entry in ClinVar:

ClinVar aggregate classification (germline): Uncertain significance (1 of 4 stars; one submission).

Conditions:
Hereditary cancer-predisposing syndrome. Also called: Hereditary Cancer Syndrome; Hereditary neoplastic syndrome; Neoplastic Syndromes, Hereditary; Tumor predisposition. Identifiers: Orphanet 140162, MedGen C0027672, MeSH D009386, MONDO:0015356.

Submission:

Ambry Genetics
Classification: Uncertain significance for Hereditary cancer-predisposing syndrome. Last evaluated: 2025-08-14. Review status: criteria provided, single submitter. Criteria: Ambry Variant Classification Scheme 2023. Collection method: clinical testing. Allele origin: germline.
Comment: The p.T632I variant (also known as c.1895C>T), located in coding exon 12 of the BRIP1 gene, results from a C to T substitution at nucleotide position 1895. The threonine at codon 632 is replaced by isoleucine, an amino acid with similar properties. This amino acid position is conserved. In addition, this alteration is predicted to be tolerated by in silico analysis. Based on the available evidence, the clinical significance of this variant remains unclear.

NM_032043.3(BRIP1):c.1895C>T (p.Thr632Ile)

Gene: BRIP1 (BRCA1 interacting DNA helicase 1; minus strand). Cytogenetic location: 17q23.2.
Variant type: single nucleotide variant.
Coding change: c.1895C>T on transcript NM_032043.3 (MANE Select); coding-DNA position 1895, C replaced by T.
Protein change: p.Thr632Ile; replaces threonine 632 with isoleucine.
Molecular consequence: missense variant.
Genome position (GRCh38, 1-based): chr17:61,780,301, G>A on the plus strand (C>T on the coding strand, the complement: BRIP1 is on the minus strand). VCF-style: chr17-61780301-G-A. GRCh37 (hg19) VCF-style: chr17-59857662-G-A.
Other names: short protein forms T632I.
Identifiers: ClinVar variation 4216273 (VCV004216273.1).